The following is an entry in ClinVar:

NM_000400.4(ERCC2):c.2056C>T (p.Arg686Cys)

Gene: ERCC2 (ERCC excision repair 2, TFIIH core complex helicase subunit; minus strand). Cytogenetic location: 19q13.32.
Variant type: single nucleotide variant.
Coding change: c.2056C>T on transcript NM_000400.4 (MANE Select); coding-DNA position 2056, C replaced by T.
Protein change: p.Arg686Cys; replaces arginine 686 with cysteine.
Molecular consequence: missense variant.
Genome position (GRCh38, 1-based): chr19:45,352,343, G>A on the plus strand (C>T on the coding strand, the complement: ERCC2 is on the minus strand). VCF-style: chr19-45352343-G-A. GRCh37 (hg19) VCF-style: chr19-45855601-G-A.
Other names: short protein forms R686C.
Identifiers: ClinVar variation 872129 (VCV000872129.44), dbSNP rs144277365, ClinGen allele CA9512899.

ClinVar aggregate classification (germline): Uncertain significance. Review status: criteria provided, multiple submitters, no conflicts (2 of 4 stars). 3 submissions from 3 submitters: Uncertain significance (3). Last evaluated 2024-11-06.

Allele frequency attached by ClinVar (database versions not stated): gnomAD 0.00004 and 0.00005; TOPMed 0.00004; ESP Exome Variant Server 0.00023.

Submissions (3):

Blueprint Genetics
Classification: Uncertain significance. Last evaluated: 2024-11-06. Review status: criteria provided, single submitter. Criteria: ACMG Guidelines, 2015. Collection method: clinical testing. Allele origin: germline.

Labcorp Genetics (formerly Invitae), Labcorp
Classification: Uncertain significance. Last evaluated: 2022-05-21. Review status: criteria provided, single submitter. Criteria: Invitae Variant Classification Sherloc (09022015). Collection method: clinical testing. Allele origin: germline.
Comment: This sequence change replaces arginine, which is basic and polar, with cysteine, which is neutral and slightly polar, at codon 686 of the ERCC2 protein (p.Arg686Cys). This variant is present in population databases (rs144277365, gnomAD 0.01%). This variant has not been reported in the literature in individuals affected with ERCC2-related conditions. ClinVar contains an entry for this variant (Variation ID: 872129). Algorithms developed to predict the effect of missense changes on protein structure and function are either unavailable or do not agree on the potential impact of this missense change (SIFT: "Deleterious"; PolyPhen-2: "Probably Damaging"; Align-GVGD: "Class C0"). In summary, the available evidence is currently insufficient to determine the role of this variant in disease. Therefore, it has been classified as a Variant of Uncertain Significance.

CeGaT Center for Human Genetics Tuebingen
Classification: Uncertain significance. Last evaluated: 2019-10-01. Review status: criteria provided, single submitter. Criteria: CeGaT Center For Human Genetics Tuebingen Variant Classification Criteria Version 2. Collection method: clinical testing. Allele origin: germline. Affected: yes. Observed: 3 variant alleles.